The following is an entry in ClinVar:

NM_005051.3(QARS1):c.346A>G (p.Ile116Val)

Gene: QARS1 (glutaminyl-tRNA synthetase 1; minus strand). Cytogenetic location: 3p21.31.
Variant type: single nucleotide variant.
Coding change: c.346A>G on transcript NM_005051.3 (MANE Select); coding-DNA position 346, A replaced by G.
Protein change: p.Ile116Val; replaces isoleucine 116 with valine.
Molecular consequence: missense variant. On other transcripts: non-coding transcript variant (1).
Genome position (GRCh38, 1-based): chr3:49,103,892, T>C on the plus strand (A>G on the coding strand, the complement: QARS1 is on the minus strand). VCF-style: chr3-49103892-T-C. GRCh37 (hg19) VCF-style: chr3-49141325-T-C.
Other names: c.313A>G, p.Ile105Val (NM_001272073.2); c.346A>G (NM_005051.2); short protein forms I105V, I116V.
Identifiers: ClinVar variation 2045607 (VCV002045607.5), dbSNP rs1404146549, ClinGen allele CA352720420.

ClinVar aggregate classification (germline): Uncertain significance. Review status: criteria provided, multiple submitters, no conflicts (2 of 4 stars). 2 submissions from 2 submitters: Uncertain significance (2). Last evaluated 2022-11-14.

Conditions:
Diffuse cerebral and cerebellar atrophy - intractable seizures - progressive microcephaly syndrome. Also called: Microcephaly, progressive, with seizures and cerebral and cerebellar atrophy. Identifiers: Orphanet 404437, MedGen C4014239, MONDO:0014335, OMIM 615760.

Allele frequency attached by ClinVar (database versions not stated): gnomAD 0.00001.
gnomAD v4.1: 1 of 1,613,944 alleles (0.000062%); highest among the groups gnomAD compares: African/African-American, 0.0013%; no homozygotes.

Submissions (2):

GeneDx
Classification: Uncertain significance. Last evaluated: 2022-11-14. Review status: criteria provided, single submitter. Criteria: GeneDx Variant Classification Process June 2021. Collection method: clinical testing. Allele origin: germline. Affected: yes.
Comment: Not observed at significant frequency in large population cohorts (gnomAD); In silico analysis supports that this missense variant does not alter protein structure/function; Has not been previously published as pathogenic or benign to our knowledge

Labcorp Genetics (formerly Invitae), Labcorp
Classification: Uncertain significance for Diffuse cerebral and cerebellar atrophy - intractable seizures - progressive microcephaly syndrome. Last evaluated: 2022-07-25. Review status: criteria provided, single submitter. Criteria: Invitae Variant Classification Sherloc (09022015). Collection method: clinical testing. Allele origin: germline.
Comment: The frequency data for this variant in the population databases is considered unreliable, as metrics indicate poor data quality at this position in the gnomAD database. In summary, the available evidence is currently insufficient to determine the role of this variant in disease. Therefore, it has been classified as a Variant of Uncertain Significance. Algorithms developed to predict the effect of missense changes on protein structure and function output the following: SIFT: "Tolerated"; PolyPhen-2: "Benign"; Align-GVGD: "Class C0". The valine amino acid residue is found in multiple mammalian species, which suggests that this missense change does not adversely affect protein function. This variant has not been reported in the literature in individuals affected with QARS-related conditions. This sequence change replaces isoleucine, which is neutral and non-polar, with valine, which is neutral and non-polar, at codon 116 of the QARS protein (p.Ile116Val).